The following is an entry in ClinVar:

ClinVar aggregate classification (germline): Likely benign. Review status: criteria provided, single submitter (1 of 4 stars). 2 submissions from 2 submitters: Likely benign (1). 1 of the submissions does not count toward it. Last evaluated 2025-10-09.

Conditions:
SYNE2-related disorder. Also called: SYNE2-related condition.
Emery-Dreifuss muscular dystrophy 5, autosomal dominant (EDMD5). Also called: EMERY-DREIFUSS MUSCULAR DYSTROPHY 5. Identifiers: Orphanet 261, MedGen C2751805, MONDO:0013072, OMIM 612999.

Allele frequency attached by ClinVar (database versions not stated): ESP Exome Variant Server 0.00008; ExAC 0.00012; gnomAD exomes 0.00015; TOPMed 0.00024; gnomAD 0.00027 and 0.00028.
gnomAD v4.1: 279 of 1,613,900 alleles (0.017%); highest among the groups gnomAD compares: Admixed American, 0.087%; 1 homozygote.

Submissions (2):

Labcorp Genetics (formerly Invitae), Labcorp
Classification: Likely benign for Emery-Dreifuss muscular dystrophy 5, autosomal dominant. Last evaluated: 2025-10-09. Review status: criteria provided, single submitter. Criteria: Invitae Variant Classification Sherloc (09022015). Collection method: clinical testing. Allele origin: germline.

PreventionGenetics, part of Exact Sciences
Classification: Likely benign for SYNE2-related condition. Last evaluated: 2020-01-31. Review status: no assertion criteria provided. Collection method: clinical testing. Allele origin: germline. Not counted in ClinVar's aggregate classification.
Comment: This variant is classified as likely benign based on ACMG/AMP sequence variant interpretation guidelines (Richards et al. 2015 PMID: 25741868, with internal and published modifications).

NM_182914.3(SYNE2):c.15132T>A (p.Leu5044=)

Gene: SYNE2 (spectrin repeat containing nuclear envelope protein 2; plus strand). Cytogenetic location: 14q23.2.
Variant type: single nucleotide variant.
Coding change: c.15132T>A on transcript NM_182914.3 (MANE Select); coding-DNA position 15132, T replaced by A.
Protein change: p.Leu5044=; no amino-acid change (leucine 5044 retained).
Molecular consequence: synonymous variant.
Genome position (GRCh38, 1-based): chr14:64,141,496, T>A. VCF-style: chr14-64141496-T-A. GRCh37 (hg19) VCF-style: chr14-64608214-T-A.
Other names: c.15132T>A, p.Leu5044= (NM_015180.6).
Identifiers: ClinVar variation 470939 (VCV000470939.15), dbSNP rs201429908, ClinGen allele CA7222980.